The following is an entry in ClinVar:

ClinVar aggregate classification (germline): Uncertain significance. Review status: criteria provided, multiple submitters, no conflicts (2 of 4 stars). 4 submissions from 4 submitters: Uncertain significance (4). Last evaluated 2026-04-27.

Conditions:
Vitamin D hydroxylation-deficient rickets, type 1B. Also called: Rickets due to Defect in Vitamin D 25-hydroxylation; PSEUDOVITAMIN D3 DEFICIENCY RICKETS DUE TO 25-HYDROXYLASE DEFICIENCY; VITAMIN D-DEPENDENT RICKETS, TYPE 1B. Identifiers: Orphanet 289157, MedGen C1838657, MONDO:0010810, OMIM 600081.
CYP2R1-related disorder. Also called: CYP2R1-related condition.

Allele frequency attached by ClinVar (database versions not stated): 1000 Genomes Project 30x 0.00016; 1000 Genomes Project 0.00020; gnomAD exomes 0.00065; ESP Exome Variant Server 0.00070; gnomAD 0.00070 and 0.00075; TOPMed 0.00073; ExAC 0.00074.
gnomAD v4.1: 1,798 of 1,611,658 alleles (0.11%); highest among the groups gnomAD compares: Non-Finnish European, 0.14%; no homozygotes.

Submissions (4):

Women's Health and Genetics/Laboratory Corporation of America, LabCorp
Classification: Uncertain significance. Last evaluated: 2026-04-27. Review status: criteria provided, single submitter. Criteria: LabCorp Variant Classification Summary - May 2015. Collection method: clinical testing. Allele origin: germline.
Comment: Variant summary: CYP2R1 c.107C>T (p.Pro36Leu) results in a non-conservative amino acid change in the encoded protein sequence. Algorithms developed to predict the effect of missense changes on protein structure and function are either unavailable or do not agree on the potential impact of this missense change. The variant allele was found at a frequency of 0.00065 in 239414 control chromosomes (gnomAD). This frequency is not significantly higher than estimated for disease-causing variants in CYP2R1, allowing no conclusion about variant significance. c.107C>T has been observed in individuals affected with hypophosphatemia without reported second variant (e.g., Rush_2022). This report does not provide unequivocal conclusions about association of the variant with Vitamin D Hydroxylation-Deficient Rickets, Type 1B. To our knowledge, no experimental evidence demonstrating an impact on protein function has been reported. The following publication has been ascertained in the context of this evaluation (PMID: 34633109). ClinVar contains an entry for this variant (Variation ID: 1059990). Based on the evidence outlined above, the variant was classified as uncertain significance.

PreventionGenetics, part of Exact Sciences
Classification: Uncertain significance for CYP2R1-related condition. Last evaluated: 2025-10-07. Review status: criteria provided, single submitter. Criteria: ACMG Guidelines, 2015. Collection method: clinical testing. Allele origin: germline.
Comment: The CYP2R1 c.107C>T variant is predicted to result in the amino acid substitution p.Pro36Leu. This variant whas been reported in three individuals with hypophosphataemia, X-linked (Table S2, Rush et al. 2022. PubMed ID: 34633109). This variant is reported in 0.11% of alleles in individuals of European (Non-Finnish) descent in gnomAD. Although we suspect that this variant may be benign, at this time, the clinical significance of this variant is uncertain due to the absence of conclusive functional and genetic evidence.

Fulgent Genetics
Classification: Uncertain significance for Vitamin D hydroxylation-deficient rickets, type 1B. Last evaluated: 2024-03-26. Review status: criteria provided, single submitter. Criteria: ACMG Guidelines, 2015. Collection method: clinical testing. Allele origin: germline.

Labcorp Genetics (formerly Invitae), Labcorp
Classification: Uncertain significance. Last evaluated: 2022-08-22. Review status: criteria provided, single submitter. Criteria: Invitae Variant Classification Sherloc (09022015). Collection method: clinical testing. Allele origin: germline.
Comment: This sequence change replaces proline, which is neutral and non-polar, with leucine, which is neutral and non-polar, at codon 36 of the CYP2R1 protein (p.Pro36Leu). This variant is present in population databases (rs202122669, gnomAD 0.1%), and has an allele count higher than expected for a pathogenic variant. This variant has not been reported in the literature in individuals affected with CYP2R1-related conditions. ClinVar contains an entry for this variant (Variation ID: 1059990). Algorithms developed to predict the effect of missense changes on protein structure and function are either unavailable or do not agree on the potential impact of this missense change (SIFT: "Deleterious"; PolyPhen-2: "Possibly Damaging"; Align-GVGD: "Class C0"). In summary, the available evidence is currently insufficient to determine the role of this variant in disease. Therefore, it has been classified as a Variant of Uncertain Significance.

Literature cited by the submitters: PubMed 34633109 (cited by Women's Health and Genetics/Laboratory Corporation of America, LabCorp).

NM_024514.5(CYP2R1):c.107C>T (p.Pro36Leu)

Genes: CYP2R1 (cytochrome P450 family 2 subfamily R member 1; minus strand), PDE3B (phosphodiesterase 3B; plus strand). Cytogenetic location: 11p15.2.
Variant type: single nucleotide variant.
Coding change: c.107C>T on transcript NM_024514.5 (MANE Select); coding-DNA position 107, C replaced by T.
Protein change: p.Pro36Leu; replaces proline 36 with leucine.
Molecular consequence: missense variant.
Genome position (GRCh38, 1-based): chr11:14,892,099, G>A on the plus strand (C>T on the coding strand, the complement: CYP2R1 is on the minus strand). VCF-style: chr11-14892099-G-A. GRCh37 (hg19) VCF-style: chr11-14913645-G-A.
Other names: c.107C>T (NM_024514.4); short protein forms P36L.
Identifiers: ClinVar variation 1059990 (VCV001059990.9), dbSNP rs202122669, ClinGen allele CA5896806.